The following is an entry in ClinVar:

ClinVar aggregate classification (germline): Uncertain significance (1 of 4 stars; one submission).

Submission:

Labcorp Genetics (formerly Invitae), Labcorp
Classification: Uncertain significance. Last evaluated: 2023-07-21. Review status: criteria provided, single submitter. Criteria: Invitae Variant Classification Sherloc (09022015). Collection method: clinical testing. Allele origin: germline.
Comment: In summary, the available evidence is currently insufficient to determine the role of this variant in disease. Therefore, it has been classified as a Variant of Uncertain Significance. An algorithm developed to predict the effect of missense changes on protein structure and function (PolyPhen-2) suggests that this variant¬†is likely to be tolerated. ClinVar contains an entry for this variant (Variation ID: 1932173). This variant has not been reported in the literature in individuals affected with ICK-related conditions. The frequency data for this variant in the population databases is considered unreliable, as metrics indicate poor data quality at this position in the gnomAD database. This sequence change replaces proline, which is neutral and non-polar, with leucine, which is neutral and non-polar, at codon 325 of the ICK protein (p.Pro325Leu).

NM_014920.5(CILK1):c.974_975inv (p.Pro325Leu)

Gene: CILK1 (ciliogenesis associated kinase 1; minus strand). Cytogenetic location: 6p12.1.
Variant type: Inversion.
Coding change: c.974_975inv on transcript NM_014920.5 (MANE Select).
Protein change: p.Pro325Leu; replaces proline 325 with leucine.
Molecular consequence: missense variant. On other transcripts: non-coding transcript variant (1).
Genome position: GRCh38 VCF-style: chr6-53013839-TG-CA. GRCh37 (hg19) VCF-style: chr6-52878637-TG-CA.
Other names: c.974_975inv, p.Pro325Leu (NM_001375397.1, NM_001375398.1, NM_001375399.1 and 4 more transcripts); short protein forms P325L.
Identifiers: ClinVar variation 1932173 (VCV001932173.3), ClinGen allele CA2580075544.